The following is an entry in ClinVar:

ClinVar aggregate classification (germline): Likely benign (1 of 4 stars; one submission).

Submission:

CeGaT Center for Human Genetics Tuebingen
Classification: Likely benign. Last evaluated: 2026-05-01. Review status: criteria provided, single submitter. Criteria: CeGaT Center For Human Genetics Tuebingen Variant Classification Criteria Version 2. Collection method: clinical testing. Allele origin: germline. Affected: yes. Observed: 1 variant allele.
Comment: RHOBTB2: BP4, BP7

NM_015178.3(RHOBTB2):c.714A>G (p.Pro238=)

Gene: RHOBTB2 (Rho related BTB domain containing 2; plus strand). Cytogenetic location: 8p21.3.
Variant type: single nucleotide variant.
Coding change: c.714A>G on transcript NM_015178.3 (MANE Select); coding-DNA position 714, A replaced by G.
Protein change: p.Pro238=; no amino-acid change (proline 238 retained).
Molecular consequence: synonymous variant.
Genome position (GRCh38, 1-based): chr8:23,006,959, A>G. VCF-style: chr8-23006959-A-G. GRCh37 (hg19) VCF-style: chr8-22864472-A-G.
Other names: c.780A>G, p.Pro260= (NM_001160036.2); c.735A>G, p.Pro245= (NM_001160037.2); c.714A>G, p.Pro238= (NM_001374791.1).
Identifiers: ClinVar variation 4873497 (VCV004873497.2).